The following is an entry in ClinVar:

NM_001134407.3(GRIN2A):c.*2975G>A

Gene: GRIN2A (glutamate ionotropic receptor NMDA type subunit 2A; minus strand). Cytogenetic location: 16p13.2.
Variant type: single nucleotide variant.
Coding change: c.*2975G>A on transcript NM_001134407.3 (MANE Select); 2975 bases downstream of the stop codon, G replaced by A.
Molecular consequence: 3 prime UTR variant.
Genome position (GRCh38, 1-based): chr16:9,760,174, C>T on the plus strand (G>A on the coding strand, the complement: GRIN2A is on the minus strand). VCF-style: chr16-9760174-C-T. GRCh37 (hg19) VCF-style: chr16-9854031-C-T.
Other names: c.*2975G>A (NM_000833.5); c.*3181G>A (NM_001134408.2).
Identifiers: ClinVar variation 321557 (VCV000321557.5), dbSNP rs115979840, ClinGen allele CA10644766.

ClinVar aggregate classification (germline): Benign (1 of 4 stars; one submission).

Conditions:
Landau-Kleffner syndrome (FESD). Also called: EPILEPSY, FOCAL, WITH SPEECH DISORDER AND WITH OR WITHOUT MENTAL RETARDATION; APHASIA, ACQUIRED, WITH EPILEPSY. Identifiers: Orphanet 1945, Orphanet 725, Orphanet 98818, MedGen C0282512, MONDO:0009509, OMIM 245570.

Allele frequency attached by ClinVar (database versions not stated): gnomAD 0.01156 and 0.01076; TOPMed 0.01200; 1000 Genomes Project 30x 0.01608; gnomAD exomes 0.00210; 1000 Genomes Project 0.01438.
gnomAD v4.1: 1,776 of 225,854 alleles (0.79%); highest among the groups gnomAD compares: African/African-American, 3.7%; 38 homozygotes.

Submission:

Illumina Laboratory Services, Illumina
Classification: Benign for Landau-Kleffner syndrome. Last evaluated: 2018-01-12. Review status: criteria provided, single submitter. Criteria: ICSL Variant Classification Criteria 13 December 2019. Collection method: clinical testing. Allele origin: germline.
Comment: This variant was observed in the ICSL laboratory as part of a predisposition screen in an ostensibly healthy population. It had not been previously curated by ICSL or reported in the Human Gene Mutation Database (HGMD: prior to June 1st, 2018), and was therefore a candidate for classification through an automated scoring system. Utilizing variant allele frequency, disease prevalence and penetrance estimates, and inheritance mode, an automated score was calculated to assess if this variant is too frequent to cause the disease. Based on the score and internal cut-off values, a variant classified as benign is not then subjected to further curation. The score for this variant resulted in a classification of benign for this disease.